The following is an entry in ClinVar:

NM_002474.3(MYH11):c.131G>A (p.Gly44Asp)

Gene: MYH11 (myosin heavy chain 11; minus strand). Cytogenetic location: 16p13.11.
Variant type: single nucleotide variant.
Coding change: c.131G>A on transcript NM_002474.3 (MANE Select); coding-DNA position 131, G replaced by A.
Protein change: p.Gly44Asp; replaces glycine 44 with aspartic acid.
Molecular consequence: missense variant.
Genome position (GRCh38, 1-based): chr16:15,838,122, C>T on the plus strand (G>A on the coding strand, the complement: MYH11 is on the minus strand). VCF-style: chr16-15838122-C-T. GRCh37 (hg19) VCF-style: chr16-15931979-C-T.
Other names: c.131G>A, p.Gly44Asp (NM_001040113.2, NM_001040114.2, NM_022844.3); short protein forms G44D.
Identifiers: ClinVar variation 4745974 (VCV004745974.1).

ClinVar aggregate classification (germline): Uncertain significance (1 of 4 stars; one submission).

Conditions:
Aortic aneurysm, familial thoracic 4 (AAT4). Also called: AORTIC ANEURYSM/AORTIC DISSECTION AND PATENT DUCTUS ARTERIOSUS. Identifiers: MedGen C1851504, MONDO:0007568, OMIM 132900.

Submission:

Labcorp Genetics (formerly Invitae), Labcorp
Classification: Uncertain significance for Aortic aneurysm, familial thoracic 4. Last evaluated: 2025-11-28. Review status: criteria provided, single submitter. Criteria: Invitae Variant Classification Sherloc (09022015). Collection method: clinical testing. Allele origin: germline.
Comment: This sequence change replaces glycine, which is neutral and non-polar, with aspartic acid, which is acidic and polar, at codon 44 of the MYH11 protein (p.Gly44Asp). This variant is not present in population databases (gnomAD no frequency). This variant has not been reported in the literature in individuals affected with MYH11-related conditions. Invitae Evidence Modeling of protein sequence and biophysical properties (such as structural, functional, and spatial information, amino acid conservation, physicochemical variation, residue mobility, and thermodynamic stability) has been performed for this missense variant. However, the output from this modeling did not meet the statistical confidence thresholds required to predict the impact of this variant on MYH11 protein function. In summary, the available evidence is currently insufficient to determine the role of this variant in disease. Therefore, it has been classified as a Variant of Uncertain Significance.